The following is an entry in ClinVar:

NM_002591.4(PCK1):c.864C>T (p.Cys288=)

Gene: PCK1 (phosphoenolpyruvate carboxykinase 1; plus strand). Cytogenetic location: 20q13.31.
Variant type: single nucleotide variant.
Coding change: c.864C>T on transcript NM_002591.4 (MANE Select); coding-DNA position 864, C replaced by T.
Protein change: p.Cys288=; no amino-acid change (cysteine 288 retained).
Molecular consequence: synonymous variant.
Genome position (GRCh38, 1-based): chr20:57,563,630, C>T. VCF-style: chr20-57563630-C-T. GRCh37 (hg19) VCF-style: chr20-56138686-C-T.
Identifiers: ClinVar variation 717118 (VCV000717118.14), dbSNP rs61760966, ClinGen allele CA9922189.

ClinVar aggregate classification (germline): Benign/Likely benign. Review status: criteria provided, multiple submitters, no conflicts (2 of 4 stars). 3 submissions from 3 submitters: Benign (1); Likely benign (2). Last evaluated 2026-01-25.

Conditions:
Phosphoenolpyruvate carboxykinase deficiency, cytosolic (PCKDC). Also called: PCK1 DEFICIENCY, CYTOSOLIC; PEPCK DEFICIENCY, CYTOSOLIC. Identifiers: Orphanet 2880, MedGen C5574905, MONDO:0009866, OMIM 261680.

Allele frequency attached by ClinVar (database versions not stated): gnomAD exomes 0.00079; ExAC 0.00096; gnomAD 0.00263 and 0.00283; 1000 Genomes Project 0.00280; TOPMed 0.00307; ESP Exome Variant Server 0.00308; 1000 Genomes Project 30x 0.00344.
gnomAD v4.1: 947 of 1,612,054 alleles (0.059%); highest among the groups gnomAD compares: African/African-American, 0.91%; 3 homozygotes.

Submissions (3):

Labcorp Genetics (formerly Invitae), Labcorp
Classification: Benign. Last evaluated: 2026-01-25. Review status: criteria provided, single submitter. Criteria: Invitae Variant Classification Sherloc (09022015). Collection method: clinical testing. Allele origin: germline.

Blueprint Genetics
Classification: Likely benign. Last evaluated: 2024-11-11. Review status: criteria provided, single submitter. Criteria: ACMG Guidelines, 2015. Collection method: clinical testing. Allele origin: germline.

Illumina Laboratory Services, Illumina
Classification: Likely benign for Phosphoenolpyruvate carboxykinase deficiency, cytosolic. Last evaluated: 2018-01-13. Review status: criteria provided, single submitter. Criteria: ICSL Variant Classification Criteria 13 December 2019. Collection method: clinical testing. Allele origin: germline.
Comment: This variant was observed in the ICSL laboratory as part of a predisposition screen in an ostensibly healthy population. It had not been previously curated by ICSL or reported in the Human Gene Mutation Database (HGMD: prior to June 1st, 2018), and was therefore a candidate for classification through an automated scoring system. Utilizing variant allele frequency, disease prevalence and penetrance estimates, and inheritance mode, an automated score was calculated to assess if this variant is too frequent to cause the disease. Based on the score and internal cut-off values, a variant classified as likely benign is not then subjected to further curation. The score for this variant resulted in a classification of likely benign for this disease.